The following is an entry in ClinVar:

NM_001375834.1(WIPF1):c.1258C>T (p.Pro420Ser)

Gene: WIPF1 (WAS/WASL interacting protein family member 1; minus strand). Cytogenetic location: 2q31.1.
Variant type: single nucleotide variant.
Coding change: c.1258C>T on transcript NM_001375834.1 (MANE Select); coding-DNA position 1258, C replaced by T.
Protein change: p.Pro420Ser; replaces proline 420 with serine.
Molecular consequence: missense variant.
Genome position (GRCh38, 1-based): chr2:174,567,945, G>A on the plus strand (C>T on the coding strand, the complement: WIPF1 is on the minus strand). VCF-style: chr2-174567945-G-A. GRCh37 (hg19) VCF-style: chr2-175432673-G-A.
Other names: c.1258C>T, p.Pro420Ser (NM_001077269.1, NM_001375832.1, NM_001375833.1 and 2 more transcripts); c.880C>T, p.Pro294Ser (NM_001375839.1); short protein forms P294S, P420S.
Identifiers: ClinVar variation 1462702 (VCV001462702.4), dbSNP rs1684713583, ClinGen allele CA349336774.

ClinVar aggregate classification (germline): Uncertain significance (1 of 4 stars; one submission).

Conditions:
Wiskott-Aldrich syndrome 2 (WAS2). Also called: WIPF1 DEFICIENCY. Identifiers: Orphanet 906, MedGen C3281001, MONDO:0013779, OMIM 614493.

Allele frequency attached by ClinVar (database versions not stated): TOPMed below 0.00001.

Submission:

Labcorp Genetics (formerly Invitae), Labcorp
Classification: Uncertain significance for Wiskott-Aldrich syndrome 2. Last evaluated: 2020-12-23. Review status: criteria provided, single submitter. Criteria: Invitae Variant Classification Sherloc (09022015). Collection method: clinical testing. Allele origin: germline.
Comment: In summary, the available evidence is currently insufficient to determine the role of this variant in disease. Therefore, it has been classified as a Variant of Uncertain Significance. Algorithms developed to predict the effect of missense changes on protein structure and function are either unavailable or do not agree on the potential impact of this missense change (SIFT: "Not Available"; PolyPhen-2: "Probably Damaging"; Align-GVGD: "Not Available"). This variant has not been reported in the literature in individuals with WIPF1-related conditions. This variant is not present in population databases (ExAC no frequency). This sequence change replaces proline with serine at codon 420 of the WIPF1 protein (p.Pro420Ser). The proline residue is highly conserved and there is a moderate physicochemical difference between proline and serine.